The following is an entry in ClinVar:

ClinVar aggregate classification (germline): Uncertain significance (1 of 4 stars; one submission).

Conditions:
Familial adenomatous polyposis 1 (FAP1). Also called: FAMILIAL ADENOMATOUS POLYPOSIS 1, ATTENUATED; POLYPOSIS, ADENOMATOUS INTESTINAL. Identifiers: MedGen C2713442, MONDO:0021056, OMIM 175100. Disease mechanism: loss of function.

Submission:

Labcorp Genetics (formerly Invitae), Labcorp
Classification: Uncertain significance for Familial adenomatous polyposis 1. Last evaluated: 2025-12-03. Review status: criteria provided, single submitter. Criteria: Invitae Variant Classification Sherloc (09022015). Collection method: clinical testing. Allele origin: germline.
Comment: This variant occurs in a non-coding region of the APC gene. It does not change the encoded amino acid sequence of the APC protein. This variant is not present in population databases (gnomAD no frequency). This variant has not been reported in the literature in individuals affected with APC-related conditions. ClinVar contains an entry for this variant (Variation ID: 645673). Experimental studies and prediction algorithms are not available or were not evaluated, and the functional significance of this variant is currently unknown. In summary, the available evidence is currently insufficient to determine the role of this variant in disease. Therefore, it has been classified as a Variant of Uncertain Significance.

NM_001127511.3(APC):c.53C>T (p.Pro18Leu)

Gene: APC (APC regulator of Wnt signaling pathway; plus strand). Cytogenetic location: 5q22.2.
Variant type: single nucleotide variant.
Coding change: c.53C>T on transcript NM_001127511.3; coding-DNA position 53, C replaced by T.
Protein change: p.Pro18Leu; replaces proline 18 with leucine.
Molecular consequence: missense variant. On other transcripts: 5 prime UTR variant (8), non-coding transcript variant (1), intron variant (5).
Genome position (GRCh38, 1-based): chr5:112,707,770, C>T. VCF-style: chr5-112707770-C-T. GRCh37 (hg19) VCF-style: chr5-112043467-C-T.
Other names: c.-131C>T (NM_001354895.2, NM_001407447.1, NM_001407452.1 and 3 more transcripts); c.53C>T, p.Pro18Leu (NM_001354897.2, NM_001354902.2, NM_001407446.1); c.-1166C>T (NM_001407470.1, NM_001407472.1); c.-19+121C>T (NM_001407448.1, NM_001407450.1, NM_001407457.1 and 1 more transcripts); c.-43+121C>T (NM_001407453.1); short protein forms P18L.
Identifiers: ClinVar variation 645673 (VCV000645673.9), dbSNP rs1265754890, ClinGen allele CA360611784.